The following is an entry in ClinVar:

NM_000179.3(MSH6):c.1146C>A (p.His382Gln)

Gene: MSH6 (mutS homolog 6; plus strand). Cytogenetic location: 2p16.3.
Variant type: single nucleotide variant.
Coding change: c.1146C>A on transcript NM_000179.3 (MANE Select); coding-DNA position 1146, C replaced by A.
Protein change: p.His382Gln; replaces histidine 382 with glutamine.
Molecular consequence: missense variant.
Genome position (GRCh38, 1-based): chr2:47,799,129, C>A. VCF-style: chr2-47799129-C-A. GRCh37 (hg19) VCF-style: chr2-48026268-C-A.
Other names: c.756C>A, p.His252Gln (NM_001281492.2); c.240C>A, p.His80Gln (NM_001281493.2, NM_001281494.2); short protein forms H252Q, H382Q, H80Q.
Identifiers: ClinVar variation 1061257 (VCV001061257.8), dbSNP rs1572721856, ClinGen allele CA346742179.

ClinVar aggregate classification (germline): Uncertain significance. Review status: criteria provided, multiple submitters, no conflicts (2 of 4 stars). 2 submissions from 2 submitters: Uncertain significance (2). Last evaluated 2023-11-02.

Conditions:
Lynch syndrome. Identifiers: Orphanet 144, MedGen C4552100, MONDO:0005835. Disease mechanism: loss of function.
Hereditary nonpolyposis colorectal neoplasms. Identifiers: MedGen C0009405, MeSH D003123.

Submissions (2):

All of Us Research Program, National Institutes of Health
Classification: Uncertain significance for Lynch syndrome. Last evaluated: 2023-11-02. Review status: criteria provided, single submitter. Criteria: ACMG Guidelines, 2015. Collection method: clinical testing. Allele origin: germline. Inheritance: Autosomal dominant inheritance. Observed: 1 variant allele, 1 heterozygote.
Comment: This missense variant replaces histidine with glutamine at codon 382 of the MSH6 protein. Computational prediction suggests that this variant may not impact protein structure and function (internally defined REVEL score threshold <= 0.5, PMID: 27666373). To our knowledge, functional studies have not been reported for this variant. This variant has not been reported in individuals affected with MSH6-related disorders in the literature. This variant has not been identified in the general population by the Genome Aggregation Database (gnomAD). The available evidence is insufficient to determine the role of this variant in disease conclusively. Therefore, this variant is classified as a Variant of Uncertain Significance.

This study involves interpretation of variants in research participants for the purpose of population health screening. Participant phenotype was not available at the time of variant classification. Additional details can be found in publication PMID: 35346344, PMCID: PMC8962531

Labcorp Genetics (formerly Invitae), Labcorp
Classification: Uncertain significance for Hereditary nonpolyposis colorectal neoplasms. Last evaluated: 2021-11-11. Review status: criteria provided, single submitter. Criteria: Invitae Variant Classification Sherloc (09022015). Collection method: clinical testing. Allele origin: germline.
Comment: ClinVar contains an entry for this variant (Variation ID: 1061257). In summary, the available evidence is currently insufficient to determine the role of this variant in disease. Therefore, it has been classified as a Variant of Uncertain Significance. Advanced modeling of protein sequence and biophysical properties (such as structural, functional, and spatial information, amino acid conservation, physicochemical variation, residue mobility, and thermodynamic stability) performed at Invitae indicates that this missense variant is not expected to disrupt MSH6 protein function. This variant has not been reported in the literature in individuals affected with MSH6-related conditions. This variant is not present in population databases (gnomAD no frequency). This sequence change replaces histidine, which is basic and polar, with glutamine, which is neutral and polar, at codon 382 of the MSH6 protein (p.His382Gln).